The following is an entry in ClinVar:

ClinVar aggregate classification (germline): Uncertain significance. Review status: criteria provided, multiple submitters, no conflicts (2 of 4 stars). 3 submissions from 3 submitters: Uncertain significance (3). Last evaluated 2025-12-10.

Conditions:
Hereditary cancer-predisposing syndrome. Also called: Neoplastic Syndromes, Hereditary; Hereditary Cancer Syndrome; Hereditary neoplastic syndrome; Tumor predisposition. Identifiers: Orphanet 140162, MedGen C0027672, MeSH D009386, MONDO:0015356.

Allele frequency attached by ClinVar (database versions not stated): gnomAD exomes below 0.00001.

Submissions (3):

Ambry Genetics
Classification: Uncertain significance for Hereditary cancer-predisposing syndrome. Last evaluated: 2025-12-10. Review status: criteria provided, single submitter. Criteria: Ambry Variant Classification Scheme 2023. Collection method: clinical testing. Allele origin: germline.
Comment: The p.A1097G variant (also known as c.3290C>G), located in coding exon 27 of the POLE gene, results from a C to G substitution at nucleotide position 3290. The alanine at codon 1097 is replaced by glycine, an amino acid with similar properties. This amino acid position is conserved. In addition, the in silico prediction for this alteration is inconclusive. Based on the available evidence, the clinical significance of this variant remains unclear.

Labcorp Genetics (formerly Invitae), Labcorp
Classification: Uncertain significance. Last evaluated: 2020-03-22. Review status: criteria provided, single submitter. Criteria: Invitae Variant Classification Sherloc (09022015). Collection method: clinical testing. Allele origin: germline.
Comment: In summary, the available evidence is currently insufficient to determine the role of this variant in disease. Therefore, it has been classified as a Variant of Uncertain Significance. Algorithms developed to predict the effect of missense changes on protein structure and function (SIFT, PolyPhen-2, Align-GVGD) all suggest that this variant is likely to be disruptive, but these predictions have not been confirmed by published functional studies and their clinical significance is uncertain. This variant has not been reported in the literature in individuals with POLE-related conditions. This variant is not present in population databases (ExAC no frequency). This sequence change replaces alanine with glycine at codon 1097 of the POLE protein (p.Ala1097Gly). The alanine residue is highly conserved and there is a small physicochemical difference between alanine and glycine.

GeneDx
Classification: Uncertain significance. Last evaluated: 2019-10-29. Review status: criteria provided, single submitter. Criteria: GeneDx Variant Classification Process June 2021. Collection method: clinical testing. Allele origin: germline. Affected: yes.
Comment: Not observed in large population cohorts (Lek 2016); In silico analysis, which includes protein predictors and evolutionary conservation, supports a deleterious effect; Has not been previously published as pathogenic or benign to our knowledge

NM_006231.4(POLE):c.3290C>G (p.Ala1097Gly)

Gene: POLE (DNA polymerase epsilon, catalytic subunit; minus strand). Cytogenetic location: 12q24.33.
Variant type: single nucleotide variant.
Coding change: c.3290C>G on transcript NM_006231.4 (MANE Select); coding-DNA position 3290, C replaced by G.
Protein change: p.Ala1097Gly; replaces alanine 1097 with glycine.
Molecular consequence: missense variant.
Genome position (GRCh38, 1-based): chr12:132,657,956, G>C on the plus strand (C>G on the coding strand, the complement: POLE is on the minus strand). VCF-style: chr12-132657956-G-C. GRCh37 (hg19) VCF-style: chr12-133234542-G-C.
Other names: short protein forms A1097G.
Identifiers: ClinVar variation 1061715 (VCV001061715.11), dbSNP rs2138663775, ClinGen allele CA387389845.
Genomic context (GRCh38, chr12:132,657,956, plus strand): 5'-GAGCTCTTGAGCCATTTCCGGAGAAAGTGCTTCCTCACCGTGGGCTCTGCTTGGAAAATG[G>C]CAAGTGGGATGGCCCTGGGTAAGGAAGACAGGCACACAGCTCAGTAACAGTGAAAATCAC-3'
Protein context (NP_006222.2, residues 1087-1107): SPVTERAIPL[Ala1097Gly]IFQAEPTVRK